The following is an entry in ClinVar:

NM_024996.7(GFM1):c.1585A>G (p.Ile529Val)

Gene: GFM1 (G elongation factor mitochondrial 1; plus strand). Cytogenetic location: 3q25.32.
Variant type: single nucleotide variant.
Coding change: c.1585A>G on transcript NM_024996.7 (MANE Select); coding-DNA position 1585, A replaced by G.
Protein change: p.Ile529Val; replaces isoleucine 529 with valine.
Molecular consequence: missense variant. On other transcripts: non-coding transcript variant (4).
Genome position (GRCh38, 1-based): chr3:158,666,370, A>G. VCF-style: chr3-158666370-A-G. GRCh37 (hg19) VCF-style: chr3-158384159-A-G.
Other names: c.1642A>G, p.Ile548Val (NM_001308164.2); c.1585A>G, p.Ile529Val (NM_001308166.2); c.1504A>G, p.Ile502Val (NM_001374355.1); c.1468A>G, p.Ile490Val (NM_001374356.1); c.1360A>G, p.Ile454Val (NM_001374357.1); c.1126A>G, p.Ile376Val (NM_001374358.1); c.1018A>G, p.Ile340Val (NM_001374359.1, NM_001374360.1); c.901A>G, p.Ile301Val (NM_001374361.1); and 1 more; short protein forms I340V, I376V, I490V, I548V, I301V, I454V, I502V, I529V.
Identifiers: ClinVar variation 2077608 (VCV002077608.3), dbSNP rs754010121, ClinGen allele CA2682703.

ClinVar aggregate classification (germline): Uncertain significance. Review status: criteria provided, multiple submitters, no conflicts (2 of 4 stars). 3 submissions from 3 submitters: Uncertain significance (3). Last evaluated 2024-06-03.

Conditions:
Inborn genetic diseases. Identifiers: MedGen C0950123, MeSH D030342.

Allele frequency attached by ClinVar (database versions not stated): gnomAD 0.00004; gnomAD exomes 0.00004; TOPMed 0.00004; ExAC 0.00006.
gnomAD v4.1: 58 of 1,613,408 alleles (0.0036%); highest among the groups gnomAD compares: South Asian, 0.012%; no homozygotes.

Submissions (3):

Ambry Genetics
Classification: Uncertain significance for Inborn genetic diseases. Last evaluated: 2024-06-03. Review status: criteria provided, single submitter. Criteria: Ambry Variant Classification Scheme 2023. Collection method: clinical testing. Allele origin: germline.

GeneDx
Classification: Uncertain significance. Last evaluated: 2023-03-17. Review status: criteria provided, single submitter. Criteria: GeneDx Variant Classification Process June 2021. Collection method: clinical testing. Allele origin: germline. Affected: yes.
Comment: In silico analysis supports that this missense variant does not alter protein structure/function; Has not been previously published as pathogenic or benign to our knowledge

Labcorp Genetics (formerly Invitae), Labcorp
Classification: Uncertain significance. Last evaluated: 2022-09-12. Review status: criteria provided, single submitter. Criteria: Invitae Variant Classification Sherloc (09022015). Collection method: clinical testing. Allele origin: germline.
Comment: This sequence change replaces isoleucine, which is neutral and non-polar, with valine, which is neutral and non-polar, at codon 529 of the GFM1 protein (p.Ile529Val). This variant is present in population databases (rs754010121, gnomAD 0.02%). This variant has not been reported in the literature in individuals affected with GFM1-related conditions. Advanced modeling of protein sequence and biophysical properties (such as structural, functional, and spatial information, amino acid conservation, physicochemical variation, residue mobility, and thermodynamic stability) performed at Invitae indicates that this missense variant is not expected to disrupt GFM1 protein function. In summary, the available evidence is currently insufficient to determine the role of this variant in disease. Therefore, it has been classified as a Variant of Uncertain Significance.